The following is an entry in ClinVar:

ClinVar aggregate classification (germline): Likely benign (1 of 4 stars; one submission).

gnomAD v4.1: 16 of 1,610,858 alleles (0.00099%); highest among the groups gnomAD compares: Non-Finnish European, 0.0012%; no homozygotes.

Submission:

CeGaT Center for Human Genetics Tuebingen
Classification: Likely benign. Last evaluated: 2026-07-01. Review status: criteria provided, single submitter. Criteria: CeGaT Center For Human Genetics Tuebingen Variant Classification Criteria Version 2. Collection method: clinical testing. Allele origin: germline. Affected: yes. Observed: 1 variant allele.
Comment: GRIA2: BP4

NM_001083619.3(GRIA2):c.1830C>T (p.Cys610=)

Gene: GRIA2 (glutamate ionotropic receptor AMPA type subunit 2; plus strand). Cytogenetic location: 4q32.1.
Variant type: single nucleotide variant.
Coding change: c.1830C>T on transcript NM_001083619.3 (MANE Select); coding-DNA position 1830, C replaced by T.
Protein change: p.Cys610=; no amino-acid change (cysteine 610 retained).
Molecular consequence: synonymous variant.
Genome position (GRCh38, 1-based): chr4:157,336,733, C>T. VCF-style: chr4-157336733-C-T. GRCh37 (hg19) VCF-style: chr4-158257885-C-T.
Other names: c.1689C>T, p.Cys563= (NM_001379001.3, NM_001083620.3, NM_001379000.3); c.1830C>T, p.Cys610= (NM_000826.6).
Identifiers: ClinVar variation 5039916 (VCV005039916.1).